The following is an entry in ClinVar:

ClinVar aggregate classification (germline): Benign. Review status: criteria provided, single submitter (1 of 4 stars). 2 submissions from 2 submitters: Benign (1). 1 of the submissions does not count toward it. Last evaluated 2025-09-15.

Conditions:
FBN2-related disorder. Also called: FBN2-related condition.
Congenital contractural arachnodactyly (CCA). Also called: BEALS SYNDROME; Beals-Hecht syndrome; Arthrogryposis, distal, type 9. Identifiers: Orphanet 115, MedGen C0220668, MONDO:0007363, OMIM 121050.

Allele frequency attached by ClinVar (database versions not stated): gnomAD 0.00001; gnomAD exomes 0.00001; ExAC 0.00002.
gnomAD v4.1: 10 of 1,613,976 alleles (0.00062%); highest among the groups gnomAD compares: African/African-American, 0.0013%; no homozygotes.

Submissions (2):

Labcorp Genetics (formerly Invitae), Labcorp
Classification: Benign for Congenital contractural arachnodactyly. Last evaluated: 2025-09-15. Review status: criteria provided, single submitter. Criteria: Invitae Variant Classification Sherloc (09022015). Collection method: clinical testing. Allele origin: germline.

PreventionGenetics, part of Exact Sciences
Classification: Likely benign for FBN2-related condition. Last evaluated: 2021-02-16. Review status: no assertion criteria provided. Collection method: clinical testing. Allele origin: germline. Not counted in ClinVar's aggregate classification.
Comment: This variant is classified as likely benign based on ACMG/AMP sequence variant interpretation guidelines (Richards et al. 2015 PMID: 25741868, with internal and published modifications).

NM_001999.4(FBN2):c.8034C>T (p.Cys2678=)

Gene: FBN2 (fibrillin 2; minus strand). Cytogenetic location: 5q23.3.
Variant type: single nucleotide variant.
Coding change: c.8034C>T on transcript NM_001999.4 (MANE Select); coding-DNA position 8034, C replaced by T.
Protein change: p.Cys2678=; no amino-acid change (cysteine 2678 retained).
Molecular consequence: synonymous variant.
Genome position (GRCh38, 1-based): chr5:128,263,583, G>A on the plus strand (C>T on the coding strand, the complement: FBN2 is on the minus strand). VCF-style: chr5-128263583-G-A. GRCh37 (hg19) VCF-style: chr5-127599275-G-A.
Other names: c.8034C>T (NM_001999.3).
Identifiers: ClinVar variation 2413503 (VCV002413503.11), dbSNP rs774065164, ClinGen allele CA3393952.